The following is an entry in ClinVar:

NM_005422.4(TECTA):c.6077T>A (p.Val2026Asp)

Genes: TBCEL-TECTA (TBCEL-TECTA readthrough; plus strand), TECTA (tectorin alpha; plus strand). Cytogenetic location: 11q23.3.
Variant type: single nucleotide variant.
Coding change: c.6077T>A on transcript NM_005422.4 (MANE Select); coding-DNA position 6077, T replaced by A.
Protein change: p.Val2026Asp; replaces valine 2026 with aspartic acid.
Molecular consequence: missense variant.
Genome position (GRCh38, 1-based): chr11:121,187,909, T>A. VCF-style: chr11-121187909-T-A. GRCh37 (hg19) VCF-style: chr11-121058618-T-A.
Other names: c.7019T>A, p.Val2340Asp (NM_001378761.1); short protein forms V2026D, V2340D.
Identifiers: ClinVar variation 3363653 (VCV003363653.1).

ClinVar aggregate classification (germline): Uncertain significance (1 of 4 stars; one submission).

Submission:

GeneDx
Classification: Uncertain significance. Last evaluated: 2023-11-11. Review status: criteria provided, single submitter. Criteria: GeneDx Variant Classification Process June 2021. Collection method: clinical testing. Allele origin: germline. Affected: yes.
Comment: Not observed at significant frequency in large population cohorts (gnomAD); In silico analysis supports that this missense variant does not alter protein structure/function; Has not been previously published as pathogenic or benign to our knowledge; This variant is associated with the following publications: (PMID: 21520338, 31554319, 9590290, 16718611)